The following is an entry in ClinVar:

ClinVar aggregate classification (germline): Benign/Likely benign. Review status: criteria provided, multiple submitters, no conflicts (2 of 4 stars). 4 submissions from 4 submitters: Benign (1); Likely benign (3). Last evaluated 2026-01-11.

Conditions:
Hereditary cancer-predisposing syndrome. Also called: Hereditary neoplastic syndrome; Hereditary Cancer Syndrome; Neoplastic Syndromes, Hereditary; Tumor predisposition. Identifiers: Orphanet 140162, MedGen C0027672, MeSH D009386, MONDO:0015356.
SDHB-related disorder. Also called: SDHB-related condition; SDHB-related disorders. Identifiers: MedGen CN239418.
Pheochromocytoma/paraganglioma syndrome 4. Also called: Paragangliomas 4; CAROTID BODY TUMORS AND MULTIPLE EXTRAADRENAL PHEOCHROMOCYTOMAS; SDHB-Related Hereditary Paraganglioma-Pheochromocytoma Syndrome (Paragangliomas 4); PARAGANGLIOMA, FAMILIAL MALIGNANT; PARAGANGLIOMAS, HEREDITARY EXTRAADRENAL; PHEOCHROMOCYTOMA, FAMILIAL EXTRAADRENAL. Identifiers: Orphanet 29072, MedGen C1861848, MONDO:0007273, OMIM 115310.
Gastrointestinal stromal tumor. Also called: Gastrointestinal stroma tumor; Gastrointestinal stromal tumor, somatic. Identifiers: Orphanet 44890, MedGen C0238198, MeSH D046152, MONDO:0011719, OMIM 606764, HP:0100723.
Pheochromocytoma. Also called: MAX-Related Hereditary Paraganglioma-Pheochromocytoma Syndrome. Identifiers: Orphanet 29072, MedGen C0031511, MONDO:0008233, OMIM 171300, HP:0002666.

Allele frequency attached by ClinVar (database versions not stated): TOPMed below 0.00001; gnomAD 0.00001; gnomAD exomes 0.00001.
gnomAD v4.1: 15 of 1,614,000 alleles (0.00093%); highest among the groups gnomAD compares: East Asian, 0.031%; no homozygotes.

Submissions (4):

PreventionGenetics, part of Exact Sciences
Classification: Likely benign for SDHB-related condition. Last evaluated: 2026-01-11. Review status: criteria provided, single submitter. Criteria: ACMG Guidelines, 2015. Collection method: clinical testing. Allele origin: germline.
Comment: This variant is classified as likely benign based on ACMG/AMP sequence variant interpretation guidelines (Richards et al. 2015 PMID: 25741868, with internal and published modifications).

Labcorp Genetics (formerly Invitae), Labcorp
Classification: Likely benign for Gastrointestinal stromal tumor; Pheochromocytoma/paraganglioma syndrome 4; Pheochromocytoma. Last evaluated: 2025-11-03. Review status: criteria provided, single submitter. Criteria: Invitae Variant Classification Sherloc (09022015). Collection method: clinical testing. Allele origin: germline.

Myriad Genetics, Inc.
Classification: Benign for Pheochromocytoma/paraganglioma syndrome 4. Last evaluated: 2025-03-12. Review status: criteria provided, single submitter. Criteria: Myriad Autosomal Dominant, Autosomal Recessive and X-Linked Classification Criteria (2023). Collection method: clinical testing. Allele origin: unknown.
Comment: This variant is considered benign. This variant is a silent/synonymous amino acid change and it is not expected to impact splicing.

Ambry Genetics
Classification: Likely benign for Hereditary cancer-predisposing syndrome. Last evaluated: 2021-10-14. Review status: criteria provided, single submitter. Criteria: Ambry Variant Classification Scheme 2023. Collection method: clinical testing. Allele origin: germline.

NM_003000.3(SDHB):c.171T>C (p.His57=)

Gene: SDHB (succinate dehydrogenase complex iron sulfur subunit B; minus strand). Cytogenetic location: 1p36.13.
Variant type: single nucleotide variant.
Coding change: c.171T>C on transcript NM_003000.3 (MANE Select); coding-DNA position 171, T replaced by C.
Protein change: p.His57=; no amino-acid change (histidine 57 retained).
Molecular consequence: synonymous variant.
Genome position (GRCh38, 1-based): chr1:17,044,790, A>G on the plus strand (T>C on the coding strand, the complement: SDHB is on the minus strand). VCF-style: chr1-17044790-A-G. GRCh37 (hg19) VCF-style: chr1-17371285-A-G.
Identifiers: ClinVar variation 528759 (VCV000528759.15), dbSNP rs1280868219, ClinGen allele CA416046767.